The following is an entry in ClinVar:

ClinVar aggregate classification (germline): Conflicting classifications of pathogenicity. Review status: criteria provided, conflicting classifications (1 of 4 stars). 2 submissions from 2 submitters: Uncertain significance (1); Likely benign (1). Last evaluated 2023-06-06.

Allele frequency attached by ClinVar (database versions not stated): gnomAD exomes 0.00001; TOPMed 0.00002; gnomAD 0.00003; ExAC 0.00004.
gnomAD v4.1: 19 of 1,614,030 alleles (0.0012%); highest among the groups gnomAD compares: South Asian, 0.0077%; no homozygotes.

Submissions (2):

Ambry Genetics
Classification: Likely benign. Last evaluated: 2023-06-06. Review status: criteria provided, single submitter. Criteria: Ambry Variant Classification Scheme 2023. Collection method: clinical testing. Allele origin: germline.

Labcorp Genetics (formerly Invitae), Labcorp
Classification: Uncertain significance. Last evaluated: 2023-04-06. Review status: criteria provided, single submitter. Criteria: Invitae Variant Classification Sherloc (09022015). Collection method: clinical testing. Allele origin: germline.
Comment: The frequency data for this variant in the population databases is considered unreliable, as metrics indicate poor data quality at this position in the gnomAD database. This sequence change replaces glutamic acid, which is acidic and polar, with lysine, which is basic and polar, at codon 25 of the CETP protein (p.Glu25Lys). This variant has not been reported in the literature in individuals affected with CETP-related conditions. Advanced modeling of protein sequence and biophysical properties (such as structural, functional, and spatial information, amino acid conservation, physicochemical variation, residue mobility, and thermodynamic stability) performed at Invitae indicates that this missense variant is not expected to disrupt CETP protein function. In summary, the available evidence is currently insufficient to determine the role of this variant in disease. Therefore, it has been classified as a Variant of Uncertain Significance.

NM_000078.3(CETP):c.73G>A (p.Glu25Lys)

Gene: CETP (cholesteryl ester transfer protein; plus strand). Cytogenetic location: 16q13.
Variant type: single nucleotide variant.
Coding change: c.73G>A on transcript NM_000078.3 (MANE Select); coding-DNA position 73, G replaced by A.
Protein change: p.Glu25Lys; replaces glutamic acid 25 with lysine.
Molecular consequence: missense variant.
Genome position (GRCh38, 1-based): chr16:56,962,052, G>A. VCF-style: chr16-56962052-G-A. GRCh37 (hg19) VCF-style: chr16-56995964-G-A.
Other names: c.73G>A, p.Glu25Lys (NM_001286085.2); short protein forms E25K.
Identifiers: ClinVar variation 2557714 (VCV002557714.5), dbSNP rs201234837, ClinGen allele CA8070741.